The following is an entry in ClinVar:

ClinVar aggregate classification (germline): Pathogenic/Likely pathogenic. Review status: criteria provided, multiple submitters, no conflicts (2 of 4 stars). 3 submissions from 3 submitters: Pathogenic (1); Likely pathogenic (2). Last evaluated 2025-01-09.

Conditions:
Primary ciliary dyskinesia. Also called: Ciliary dyskinesia. Identifiers: Orphanet 244, MedGen C0008780, MONDO:0016575, HP:0012265.
Kartagener syndrome (CILD1). Also called: CILIARY DYSKINESIA, PRIMARY, 1; CILIARY DYSKINESIA, PRIMARY, 1, WITH OR WITHOUT SITUS INVERSUS; IMMOTILE CILIA SYNDROME; Dextrocardia bronchiectasis and sinusitis; SIEWERT SYNDROME; POLYNESIAN BRONCHIECTASIS. Identifiers: Orphanet 244, MedGen C4551906, MONDO:0009484, OMIM 244400.

Submissions (3):

Natera, Inc.
Classification: Likely pathogenic for Primary ciliary dyskinesia. Last evaluated: 2025-01-09. Review status: criteria provided, single submitter. Criteria: Natera Variant Classification Schema (03/2026). Collection method: clinical testing. Allele origin: germline.
Comment: The c.1499dup variant in DNAI1 is a frameshift variant predicted to shift the reading frame beginning at codon 501 and leads to a stop codon 3 codons downstream. This variant is expected to result in nonsense mediated decay, truncation, or a dysfunctional protein product. This variant is rare in the general population with a frequency below the threshold expected for the associated phenotype(s). Given the available evidence, this variant is classified as Likely Pathogenic.

Fulgent Genetics
Classification: Likely pathogenic for Kartagener syndrome. Last evaluated: 2024-05-30. Review status: criteria provided, single submitter. Criteria: ACMG Guidelines, 2015. Collection method: clinical testing. Allele origin: germline.

Labcorp Genetics (formerly Invitae), Labcorp
Classification: Pathogenic for Primary ciliary dyskinesia. Last evaluated: 2019-07-17. Review status: criteria provided, single submitter. Criteria: Invitae Variant Classification Sherloc (09022015). Collection method: clinical testing. Allele origin: germline.
Comment: Loss-of-function variants in DNAI1 are known to be pathogenic (PMID: 16858015). This variant has not been reported in the literature in individuals with DNAI1-related conditions. This variant is not present in population databases (ExAC no frequency). This sequence change creates a premature translational stop signal (p.Ala501Cysfs*3) in the DNAI1 gene. It is expected to result in an absent or disrupted protein product. For these reasons, this variant has been classified as Pathogenic.

Literature cited by the submitters: PubMed 16858015 (cited by Labcorp Genetics (formerly Invitae), Labcorp).

NM_012144.4(DNAI1):c.1499dup (p.Ala501fs)

Gene: DNAI1 (dynein axonemal intermediate chain 1; plus strand). Cytogenetic location: 9p13.3.
Variant type: Duplication.
Coding change: c.1499dup on transcript NM_012144.4 (MANE Select); coding-DNA position 1499, one base duplicated (C; older notation c.1499dupC).
Protein change: p.Ala501fs; shifts the reading frame from alanine 501.
Molecular consequence: frameshift variant.
Genome position (GRCh38, 1-based): chr9:34,513,121, C duplicated. VCF-style (leftmost placement, unchanged base first): chr9-34513120-A-AC. GRCh37 (hg19) VCF-style: chr9-34513118-A-AC.
Other names: c.1511dup, p.Ala505fs (NM_001281428.2); short protein forms A501fs, A505fs.
Identifiers: ClinVar variation 933683 (VCV000933683.11), dbSNP rs1825102855, ClinGen allele CA1139660916.
Genomic context (GRCh38, chr9:34,513,120, plus strand): 5'-GGAGCCTCCCTCTTGGAACTGGGCTAAGCCTGCCCCTCCCTCTTTTCCCAAGGTTGTGGC[A>AC]CTGCCTTTGACTTCCACAAAGAGATTGACTACATGTTCCTAGTGGGCACAGAGGAGGGAA-3'